The following is an entry in ClinVar:

NM_006648.4(WNK2):c.2928T>A (p.Pro976=)

Gene: WNK2 (WNK lysine deficient protein kinase 2; plus strand). Cytogenetic location: 9q22.31.
Variant type: single nucleotide variant.
Coding change: c.2928T>A on transcript NM_006648.4 (MANE Select); coding-DNA position 2928, T replaced by A.
Protein change: p.Pro976=; no amino-acid change (proline 976 retained).
Molecular consequence: synonymous variant.
Genome position (GRCh38, 1-based): chr9:93,259,476, T>A. VCF-style: chr9-93259476-T-A. GRCh37 (hg19) VCF-style: chr9-96021758-T-A.
Other names: c.2928T>A, p.Pro976= (NM_001282394.3).
Identifiers: ClinVar variation 3816568 (VCV003816568.8).

ClinVar aggregate classification (germline): Likely benign. Review status: criteria provided, multiple submitters, no conflicts (2 of 4 stars). 2 submissions from 2 submitters: Likely benign (2). Last evaluated 2025-04-01.

gnomAD v4.1: 33 of 756,286 alleles (0.0044%); highest among the groups gnomAD compares: African/African-American, 0.058%; no homozygotes.

Submissions (2):

CeGaT Center for Human Genetics Tuebingen
Classification: Likely benign. Last evaluated: 2025-04-01. Review status: criteria provided, single submitter. Criteria: CeGaT Center For Human Genetics Tuebingen Variant Classification Criteria Version 2. Collection method: clinical testing. Allele origin: germline. Affected: yes. Observed: 1 variant allele.
Comment: WNK2: BP4, BP7

Ambry Genetics
Classification: Likely benign. Last evaluated: 2024-12-20. Review status: criteria provided, single submitter. Criteria: Ambry Variant Classification Scheme 2023. Collection method: clinical testing. Allele origin: germline.